The following is an entry in ClinVar:

ClinVar aggregate classification (germline): Uncertain significance (1 of 4 stars; one submission).

Submission:

Labcorp Genetics (formerly Invitae), Labcorp
Classification: Uncertain significance. Last evaluated: 2022-09-29. Review status: criteria provided, single submitter. Criteria: Invitae Variant Classification Sherloc (09022015). Collection method: clinical testing. Allele origin: germline.
Comment: Advanced modeling of protein sequence and biophysical properties (such as structural, functional, and spatial information, amino acid conservation, physicochemical variation, residue mobility, and thermodynamic stability) performed at Invitae indicates that this missense variant is not expected to disrupt LEMD3 protein function. In summary, the available evidence is currently insufficient to determine the role of this variant in disease. Therefore, it has been classified as a Variant of Uncertain Significance. This variant has not been reported in the literature in individuals affected with LEMD3-related conditions. This variant is not present in population databases (gnomAD no frequency). This sequence change replaces leucine, which is neutral and non-polar, with proline, which is neutral and non-polar, at codon 334 of the LEMD3 protein (p.Leu334Pro).

NM_014319.5(LEMD3):c.1001T>C (p.Leu334Pro)

Gene: LEMD3 (LEM domain containing 3; plus strand). Cytogenetic location: 12q14.3.
Variant type: single nucleotide variant.
Coding change: c.1001T>C on transcript NM_014319.5 (MANE Select); coding-DNA position 1001, T replaced by C.
Protein change: p.Leu334Pro; replaces leucine 334 with proline.
Molecular consequence: missense variant.
Genome position (GRCh38, 1-based): chr12:65,170,597, T>C. VCF-style: chr12-65170597-T-C. GRCh37 (hg19) VCF-style: chr12-65564377-T-C.
Other names: c.1001T>C, p.Leu334Pro (NM_001167614.2); short protein forms L334P.
Identifiers: ClinVar variation 1717553 (VCV001717553.5), dbSNP rs2498940044, ClinGen allele CA385674661.